The following is an entry in ClinVar:

NM_198076.6(COX20):c.2T>C (p.Met1Thr)

Gene: COX20 (cytochrome c oxidase assembly factor COX20; plus strand). Cytogenetic location: 1q44.
Variant type: single nucleotide variant.
Coding change: c.2T>C on transcript NM_198076.6 (MANE Select); coding-DNA position 2, T replaced by C.
Protein change: p.Met1Thr; changes the start codon (methionine 1).
Molecular consequence: missense variant, initiator codon variant. On other transcripts: non-coding transcript variant (3).
Genome position (GRCh38, 1-based): chr1:244,835,716, T>C. VCF-style: chr1-244835716-T-C. GRCh37 (hg19) VCF-style: chr1-244999018-T-C.
Other names: c.2T>C, p.Met1Thr (NM_001312873.1, NM_001312874.1, NM_001312871.1 and 1 more transcripts); short protein forms M1T.
Identifiers: ClinVar variation 1320208 (VCV001320208.8), dbSNP rs771264340, ClinGen allele CA41129589.
Genomic context (GRCh38, chr1:244,835,716, plus strand): 5'-GGGCTTCTGCTTCCGCGACCCCGGCGGTGCAGGGCGGGTGGAGTCGCGGAGTAGTCCTCA[T>C]GGCCGCCCCGCCGGAGCCCGGTGAGCCCGAGGAGAGGAAGGTAACCTGGGGGTCGGCGGG-3'
Protein context (NP_932342.1, residues 1-11): [Met1Thr]AAPPEPGEPE

ClinVar aggregate classification (germline): Uncertain significance. Review status: criteria provided, multiple submitters, no conflicts (2 of 4 stars). 2 submissions from 2 submitters: Uncertain significance (2). Last evaluated 2024-07-30.

Conditions:
Mitochondrial complex IV deficiency, nuclear type 11. Also called: Mitochondrial complex 4 deficiency, nuclear type 11. Identifiers: MedGen C5436694, MONDO:0033645, OMIM 619054.

Allele frequency attached by ClinVar (database versions not stated): gnomAD 0.00001; TOPMed 0.00002.

Submissions (2):

3billion
Classification: Uncertain significance for Mitochondrial complex IV deficiency, nuclear type 11. Last evaluated: 2024-07-30. Review status: criteria provided, single submitter. Criteria: ACMG Guidelines, 2015. Collection method: clinical testing. Allele origin: germline. Affected: yes.
Comment: The variant is observed at an extremely low frequency in the gnomAD v4.0.0 dataset (total allele frequency: 0.002%). Start lost - reinitiation of translation may occur at a downstream alternate start codon but still result in a loss or disruption of normal protein function as there have been pathogenic variants reported upstream of the alternate start codon. in silico tool predictions suggest damaging effect of the variant on gene or gene product [3Cnet: 0.99 (damaging >=0.6)]. Therefore, this variant is classified as uncertain significance according to the recommendation of ACMG/AMP guideline.

Labcorp Genetics (formerly Invitae), Labcorp
Classification: Uncertain significance. Last evaluated: 2024-07-17. Review status: criteria provided, single submitter. Criteria: Invitae Variant Classification Sherloc (09022015). Collection method: clinical testing. Allele origin: germline.
Comment: This sequence change affects the initiator methionine of the COX20 mRNA. There are no downstream in-frame methionine residues; therefore, it is expected to result in an absent or disrupted protein product. The current clinical and genetic evidence is not sufficient to establish whether loss-of-function variants in ROM1 cause disease. This variant is not present in population databases (gnomAD no frequency). This variant has not been reported in the literature in individuals affected with COX20-related conditions. ClinVar contains an entry for this variant (Variation ID: 1320208). In summary, the available evidence is currently insufficient to determine the role of this variant in disease. Therefore, it has been classified as a Variant of Uncertain Significance.